The following is an entry in ClinVar:

ClinVar aggregate classification (germline): Pathogenic (1 of 4 stars; one submission).

Submission:

Labcorp Genetics (formerly Invitae), Labcorp
Classification: Pathogenic. Last evaluated: 2022-02-08. Review status: criteria provided, single submitter. Criteria: Invitae Variant Classification Sherloc (09022015). Collection method: clinical testing. Allele origin: germline.
Comment: This sequence change creates a premature translational stop signal (p.Gln706*) in the RUSC2 gene. It is expected to result in an absent or disrupted protein product. Loss-of-function variants in RUSC2 are known to be pathogenic (PMID: 27612186). This variant is not present in population databases (gnomAD no frequency). For these reasons, this variant has been classified as Pathogenic. This variant has not been reported in the literature in individuals affected with RUSC2-related conditions.

Literature cited by the submitters: PubMed 27612186.

NM_014806.5(RUSC2):c.2116C>T (p.Gln706Ter)

Gene: RUSC2 (RUN and SH3 domain containing 2; plus strand). Cytogenetic location: 9p13.3.
Variant type: single nucleotide variant.
Coding change: c.2116C>T on transcript NM_014806.5 (MANE Select); coding-DNA position 2116, C replaced by T.
Protein change: p.Gln706Ter; replaces glutamine 706 with a stop codon.
Molecular consequence: nonsense. On other transcripts: 5 prime UTR variant (1), non-coding transcript variant (1).
Genome position (GRCh38, 1-based): chr9:35,555,161, C>T. VCF-style: chr9-35555161-C-T. GRCh37 (hg19) VCF-style: chr9-35555158-C-T.
Other names: c.2116C>T, p.Gln706Ter (NM_001135999.2); c.-519C>T (NM_001330740.2); short protein forms Q706*.
Identifiers: ClinVar variation 1457058 (VCV001457058.6), dbSNP rs2131694424, ClinGen allele CA373339655.